The following is an entry in ClinVar:

ClinVar aggregate classification (germline): Pathogenic (1 of 4 stars; one submission).

Conditions:
EPILEPSY, CHILDHOOD ABSENCE, SUSCEPTIBILITY TO, 2 (ECA2). Identifiers: Orphanet 64280, MedGen C1843244, OMIM 607681.
Febrile seizures, familial, 8 (FEB8). Also called: CONVULSIONS, FAMILIAL FEBRILE, 8. Identifiers: Orphanet 36387, MedGen C1969810, MONDO:0011891, OMIM 607681.

Submission:

Labcorp Genetics (formerly Invitae), Labcorp
Classification: Pathogenic for Febrile seizures, familial, 8; EPILEPSY, CHILDHOOD ABSENCE, SUSCEPTIBILITY TO, 2. Last evaluated: 2023-11-14. Review status: criteria provided, single submitter. Criteria: Invitae Variant Classification Sherloc (09022015). Collection method: clinical testing. Allele origin: germline.
Comment: This sequence change creates a premature translational stop signal (p.Tyr97*) in the GABRG2 gene. It is expected to result in an absent or disrupted protein product. Loss-of-function variants in GABRG2 are known to be pathogenic (PMID: 22539854, 22750526, 24407264). This variant is not present in population databases (gnomAD no frequency). This variant has not been reported in the literature in individuals affected with GABRG2-related conditions. For these reasons, this variant has been classified as Pathogenic.

Literature cited by the submitters: PubMed 22539854; PubMed 22750526; PubMed 24407264.

NM_198904.4(GABRG2):c.291T>A (p.Tyr97Ter)

Gene: GABRG2 (gamma-aminobutyric acid type A receptor subunit gamma2; plus strand). Cytogenetic location: 5q34.
Variant type: single nucleotide variant.
Coding change: c.291T>A on transcript NM_198904.4 (MANE Select); coding-DNA position 291, T replaced by A.
Protein change: p.Tyr97Ter; replaces tyrosine 97 with a stop codon.
Molecular consequence: nonsense. On other transcripts: 5 prime UTR variant (2).
Genome position (GRCh38, 1-based): chr5:162,095,526, T>A. VCF-style: chr5-162095526-T-A. GRCh37 (hg19) VCF-style: chr5-161522532-T-A.
Other names: c.291T>A, p.Tyr97Ter (NM_000816.3, NM_001375340.1, NM_001375341.1 and 4 more transcripts); c.282T>A, p.Tyr94Ter (NM_001375339.1); c.225T>A, p.Tyr75Ter (NM_001375345.1, NM_001375346.1); c.204T>A, p.Tyr68Ter (NM_001375347.1); c.-68T>A (NM_001375348.1, NM_001375350.1); c.6T>A, p.Tyr2Ter (NM_001375349.1); short protein forms Y2*, Y97*, Y68*, Y75*, Y94*.
Identifiers: ClinVar variation 2947699 (VCV002947699.3), dbSNP rs2532559746, ClinGen allele CA362183389.